The following is an entry in ClinVar:

ClinVar aggregate classification (germline): Pathogenic. Review status: criteria provided, multiple submitters, no conflicts (2 of 4 stars). 2 submissions from 2 submitters: Pathogenic (2). Last evaluated 2025-07-11.

Conditions:
Alstrom syndrome (ALMS). Identifiers: Orphanet 64, MedGen C0268425, MONDO:0008763, OMIM 203800.

Allele frequency attached by ClinVar (database versions not stated): gnomAD exomes 0.00001.
gnomAD v4.1: 3 of 1,602,998 alleles (0.00019%); highest among the groups gnomAD compares: South Asian, 0.0011%; no homozygotes.

Submissions (2):

Natera, Inc.
Classification: Pathogenic for Alstrom syndrome. Last evaluated: 2025-07-11. Review status: criteria provided, single submitter. Criteria: Natera Variant Classification Schema (03/2026). Collection method: clinical testing. Allele origin: germline.
Comment: The c.10388-2A>G variant in ALMS1 is a canonical splice acceptor site variant predicted to affect pre-mRNA splicing, which may result in an abnormal transcript and altered protein product. This variant is expected to result in nonsense mediated decay, truncation, or a dysfunctional protein product. This variant is rare in the general population with a frequency below the threshold expected for the associated phenotype(s). This variant has been observed in one or more individuals affected with the associated recessive disease, as either homozygous or compound heterozygous with a second variant (PMID: 27523285). Given the available evidence, this variant is classified as Pathogenic.

Labcorp Genetics (formerly Invitae), Labcorp
Classification: Pathogenic for Alstrom syndrome. Last evaluated: 2024-01-31. Review status: criteria provided, single submitter. Criteria: Invitae Variant Classification Sherloc (09022015). Collection method: clinical testing. Allele origin: germline.
Comment: This sequence change affects an acceptor splice site in intron 15 of the ALMS1 gene. It is expected to disrupt RNA splicing. Variants that disrupt the donor or acceptor splice site typically lead to a loss of protein function (PMID: 16199547), and loss-of-function variants in ALMS1 are known to be pathogenic (PMID: 17594715). This variant is not present in population databases (gnomAD no frequency). Disruption of this splice site has been observed in individual(s) with Alstrom syndrome (PMID: 25846608, 27523285). It has also been observed to segregate with disease in related individuals. ClinVar contains an entry for this variant (Variation ID: 1071887). Algorithms developed to predict the effect of sequence changes on RNA splicing suggest that this variant may disrupt the consensus splice site. For these reasons, this variant has been classified as Pathogenic.

Literature cited by the submitters: PubMed 27523285 (cited by Natera, Inc. and Labcorp Genetics (formerly Invitae), Labcorp); PubMed 16199547 (cited by Labcorp Genetics (formerly Invitae), Labcorp); PubMed 17594715 (cited by Labcorp Genetics (formerly Invitae), Labcorp); PubMed 25846608 (cited by Labcorp Genetics (formerly Invitae), Labcorp).

NM_001378454.1(ALMS1):c.10385-2A>G

Gene: ALMS1 (ALMS1 centrosome and basal body associated protein; plus strand). Cytogenetic location: 2p13.1.
Variant type: single nucleotide variant.
Coding change: c.10385-2A>G on transcript NM_001378454.1 (MANE Select); the canonical splice acceptor site of the intron before coding-DNA position 10385, A replaced by G.
Molecular consequence: splice acceptor variant.
Genome position (GRCh38, 1-based): chr2:73,572,260, A>G. VCF-style: chr2-73572260-A-G. GRCh37 (hg19) VCF-style: chr2-73799387-A-G.
Other names: c.10385-2A>G (NM_015120.4); c.10388-2A>G (NM_015120.4).
Identifiers: ClinVar variation 1071887 (VCV001071887.8), dbSNP rs1255779642, ClinGen allele CA347282506.